The following is an entry in ClinVar:

NM_016343.4(CENPF):c.2459A>G (p.Gln820Arg)

Gene: CENPF (centromere protein F; plus strand). Cytogenetic location: 1q41.
Variant type: single nucleotide variant.
Coding change: c.2459A>G on transcript NM_016343.4 (MANE Select); coding-DNA position 2459, A replaced by G.
Protein change: p.Gln820Arg; replaces glutamine 820 with arginine.
Molecular consequence: missense variant.
Genome position (GRCh38, 1-based): chr1:214,640,797, A>G. VCF-style: chr1-214640797-A-G. GRCh37 (hg19) VCF-style: chr1-214814140-A-G.
Other names: c.2459A>G (NM_016343.3); short protein forms Q820R.
Identifiers: ClinVar variation 2639891 (VCV002639891.25), dbSNP rs755108813, ClinGen allele CA1390258.

ClinVar aggregate classification (germline): Uncertain significance. Review status: criteria provided, multiple submitters, no conflicts (2 of 4 stars). 2 submissions from 2 submitters: Uncertain significance (2). Last evaluated 2025-08-23.

Conditions:
Inborn genetic diseases. Identifiers: MedGen C0950123, MeSH D030342.

Allele frequency attached by ClinVar (database versions not stated): gnomAD 0.00003; gnomAD exomes 0.00003; TOPMed 0.00003; ExAC 0.00011.
gnomAD v4.1: 51 of 1,607,084 alleles (0.0032%); highest among the groups gnomAD compares: Non-Finnish European, 0.0041%; no homozygotes.

Submissions (2):

Ambry Genetics
Classification: Uncertain significance for Inborn genetic diseases. Last evaluated: 2025-08-23. Review status: criteria provided, single submitter. Criteria: Ambry Variant Classification Scheme 2023. Collection method: clinical testing. Allele origin: germline.

CeGaT Center for Human Genetics Tuebingen
Classification: Uncertain significance. Last evaluated: 2022-03-01. Review status: criteria provided, single submitter. Criteria: CeGaT Center For Human Genetics Tuebingen Variant Classification Criteria Version 2. Collection method: clinical testing. Allele origin: germline. Affected: yes. Observed: 1 variant allele.
Comment: CENPF: PM2, BP4